The following is an entry in ClinVar:

ClinVar aggregate classification (germline): Uncertain significance (1 of 4 stars; one submission).

Conditions:
Autosomal recessive nonsyndromic hearing loss 3. Also called: NEUROSENSORY NONSYNDROMIC RECESSIVE DEAFNESS 3. Identifiers: Orphanet 90636, MedGen C1838263, MONDO:0010860, OMIM 600316.

gnomAD v4.1: 5 of 1,614,124 alleles (0.00031%); highest among the groups gnomAD compares: Non-Finnish European, 0.00042%; no homozygotes.

Submission:

Laboratory of Molecular, Cellular and Translation Genetics in Otolaryngology/ Lim32-hcfmusp, University of Sao Paulo School of Medicine Clinics Hospital
Classification: Uncertain significance for Autosomal recessive nonsyndromic hearing loss 3. Last evaluated: 2026-04-30. Review status: criteria provided, single submitter. Criteria: ClinGen HL ACMG Specifications v1. Collection method: research. Allele origin: germline. Affected: yes.
Comment: NM_016239.4:c.4136T>C (p.Leu1379Pro) This variant has been classified as a variant of uncertain significance (VUS). It is rare in population databases (PM2), and in silico prediction tools support a deleterious effect on protein function (PP3_moderate). However, the available evidence remains insufficient to support a definitive role in autosomal recessive hearing loss.

Literature cited by the submitters: PubMed 42233699.

NM_016239.4(MYO15A):c.4136T>C (p.Leu1379Pro)

Gene: MYO15A (myosin XVA; plus strand). Cytogenetic location: 17p11.2.
Variant type: single nucleotide variant.
Coding change: c.4136T>C on transcript NM_016239.4 (MANE Select); coding-DNA position 4136, T replaced by C.
Protein change: p.Leu1379Pro; replaces leucine 1379 with proline.
Molecular consequence: missense variant.
Genome position (GRCh38, 1-based): chr17:18,131,336, T>C. VCF-style: chr17-18131336-T-C. GRCh37 (hg19) VCF-style: chr17-18034650-T-C.
Other names: short protein forms L1379P.
Identifiers: ClinVar variation 4852823 (VCV004852823.1), dbSNP rs941346009.